The following is an entry in ClinVar:

ClinVar aggregate classification (germline): Likely benign (1 of 4 stars; one submission).

gnomAD v4.1: 109 of 1,581,268 alleles (0.0069%); highest among the groups gnomAD compares: Middle Eastern, 0.017%; 1 homozygote.

Submission:

CeGaT Center for Human Genetics Tuebingen
Classification: Likely benign. Last evaluated: 2026-03-01. Review status: criteria provided, single submitter. Criteria: CeGaT Center For Human Genetics Tuebingen Variant Classification Criteria Version 2. Collection method: clinical testing. Allele origin: germline. Affected: yes. Observed: 1 variant allele.
Comment: DALRD3: BP4, BP7

NM_001009996.3(DALRD3):c.27G>A (p.Gly9=)

Gene: DALRD3 (DALR anticodon binding domain containing 3; minus strand). Cytogenetic location: 3p21.31.
Variant type: single nucleotide variant.
Coding change: c.27G>A on transcript NM_001009996.3 (MANE Select); coding-DNA position 27, G replaced by A.
Protein change: p.Gly9=; no amino-acid change (glycine 9 retained).
Molecular consequence: synonymous variant. On other transcripts: intron variant (1).
Genome position (GRCh38, 1-based): chr3:49,018,538, C>T on the plus strand (G>A on the coding strand, the complement: DALRD3 is on the minus strand). VCF-style: chr3-49018538-C-T. GRCh37 (hg19) VCF-style: chr3-49055971-C-T.
Other names: c.27G>A, p.Gly9= (NM_001276405.2); c.-336-220G>A (NM_018114.6).
Identifiers: ClinVar variation 4820671 (VCV004820671.4).